The following is an entry in ClinVar:

NM_001267550.2(TTN):c.56354C>G (p.Pro18785Arg)

Genes: TTN (titin; minus strand), TTN-AS1 (TTN antisense RNA 1; plus strand). Cytogenetic location: 2q31.2.
Variant type: single nucleotide variant.
Coding change: c.56354C>G on transcript NM_001267550.2 (MANE Select); coding-DNA position 56354, C replaced by G.
Protein change: p.Pro18785Arg; replaces proline 18785 with arginine.
Molecular consequence: missense variant.
Genome position (GRCh38, 1-based): chr2:178,599,439, G>C on the plus strand (C>G on the coding strand, the complement: TTN is on the minus strand). VCF-style: chr2-178599439-G-C. GRCh37 (hg19) VCF-style: chr2-179464166-G-C.
Other names: c.51431C>G, p.Pro17144Arg (NM_001256850.1); c.29159C>G, p.Pro9720Arg (NM_003319.4); c.48650C>G, p.Pro16217Arg (NM_133378.4); c.29534C>G, p.Pro9845Arg (NM_133432.3); c.29735C>G, p.Pro9912Arg (NM_133437.4); short protein forms P16217R, P9720R, P17144R, P18785R, P9912R, P9845R.
Identifiers: ClinVar variation 4985951 (VCV004985951.1).

ClinVar aggregate classification (germline): Uncertain significance (1 of 4 stars; one submission).

Conditions:
TTN-related disorder. Also called: TTN-related disorders; TTN-related condition; TTN-related disease.

gnomAD v4.1: 21 of 1,531,420 alleles (0.0014%); highest among the groups gnomAD compares: Non-Finnish European, 0.0017%; no homozygotes.

Submission:

PreventionGenetics, part of Exact Sciences
Classification: Uncertain significance for TTN-related condition. Last evaluated: 2025-06-20. Review status: criteria provided, single submitter. Criteria: ACMG Guidelines, 2015. Collection method: clinical testing. Allele origin: germline.
Comment: The TTN c.56354C>G variant is predicted to result in the amino acid substitution p.Pro18785Arg. To our knowledge, this variant has not been reported in the literature. This variant is reported in 0.0045% of alleles in individuals of European (Non-Finnish) descent in gnomAD. At this time, the clinical significance of this variant is uncertain due to the absence of conclusive functional and genetic evidence.